The following is an entry in ClinVar:

NM_030632.3(ASXL3):c.3498A>G (p.Arg1166=)

Gene: ASXL3 (ASXL transcriptional regulator 3; plus strand). Cytogenetic location: 18q12.1.
Variant type: single nucleotide variant.
Coding change: c.3498A>G on transcript NM_030632.3 (MANE Select); coding-DNA position 3498, A replaced by G.
Protein change: p.Arg1166=; no amino-acid change (arginine 1166 retained).
Molecular consequence: synonymous variant.
Genome position (GRCh38, 1-based): chr18:33,743,346, A>G. VCF-style: chr18-33743346-A-G. GRCh37 (hg19) VCF-style: chr18-31323310-A-G.
Identifiers: ClinVar variation 3030208 (VCV003030208.2), dbSNP rs996643867, ClinGen allele CA297793040.

ClinVar aggregate classification (germline): Likely benign (0 of 4 stars; one submission).

Conditions:
ASXL3-related disorder. Also called: ASXL3-related condition. Identifiers: MedGen CN381524.

Allele frequency attached by ClinVar (database versions not stated): TOPMed 0.00001.
gnomAD v4.1: 1 of 1,613,620 alleles (0.000062%); highest among the groups gnomAD compares: African/African-American, 0.0013%; no homozygotes.

Submission:

PreventionGenetics, part of Exact Sciences
Classification: Likely benign for ASXL3-related condition. Last evaluated: 2023-06-23. Review status: no assertion criteria provided. Collection method: clinical testing. Allele origin: germline.
Comment: This variant is classified as likely benign based on ACMG/AMP sequence variant interpretation guidelines (Richards et al. 2015 PMID: 25741868, with internal and published modifications).